The following is an entry in ClinVar:

NM_152743.4(BRAT1):c.1460G>A (p.Cys487Tyr)

Gene: BRAT1 (BRCA1 associated ATM activator 1; minus strand). Cytogenetic location: 7p22.3.
Variant type: single nucleotide variant.
Coding change: c.1460G>A on transcript NM_152743.4 (MANE Select); coding-DNA position 1460, G replaced by A.
Protein change: p.Cys487Tyr; replaces cysteine 487 with tyrosine.
Molecular consequence: missense variant. On other transcripts: non-coding transcript variant (1).
Genome position (GRCh38, 1-based): chr7:2,539,824, C>T on the plus strand (G>A on the coding strand, the complement: BRAT1 is on the minus strand). VCF-style: chr7-2539824-C-T. GRCh37 (hg19) VCF-style: chr7-2579458-C-T.
Other names: c.1460G>A, p.Cys487Tyr (NM_001350626.2); c.935G>A, p.Cys312Tyr (NM_001350627.2); short protein forms C312Y, C487Y.
Identifiers: ClinVar variation 4760322 (VCV004760322.1).

ClinVar aggregate classification (germline): Uncertain significance (1 of 4 stars; one submission).

Conditions:
Neonatal-onset encephalopathy with rigidity and seizures. Also called: Lethal neonatal spasticity-epileptic encephalopathy syndrome. Identifiers: Orphanet 435845, MedGen C3281029, MONDO:0013784, OMIM 614498.

gnomAD v4.1: 6 of 1,611,110 alleles (0.00037%); highest among the groups gnomAD compares: East Asian, 0.0045%; no homozygotes.

Submission:

Labcorp Genetics (formerly Invitae), Labcorp
Classification: Uncertain significance for Neonatal-onset encephalopathy with rigidity and seizures. Last evaluated: 2025-04-09. Review status: criteria provided, single submitter. Criteria: Invitae Variant Classification Sherloc (09022015). Collection method: clinical testing. Allele origin: germline.
Comment: This sequence change replaces cysteine, which is neutral and slightly polar, with tyrosine, which is neutral and polar, at codon 487 of the BRAT1 protein (p.Cys487Tyr). The frequency data for this variant in the population databases is considered unreliable, as metrics indicate poor data quality at this position in the gnomAD database. This variant has not been reported in the literature in individuals affected with BRAT1-related conditions. Invitae Evidence Modeling of protein sequence and biophysical properties (such as structural, functional, and spatial information, amino acid conservation, physicochemical variation, residue mobility, and thermodynamic stability) indicates that this missense variant is not expected to disrupt BRAT1 protein function with a negative predictive value of 95%. In summary, the available evidence is currently insufficient to determine the role of this variant in disease. Therefore, it has been classified as a Variant of Uncertain Significance.